The following is an entry in ClinVar:

NM_000921.5(PDE3A):c.1964C>T (p.Ala655Val)

Gene: PDE3A (phosphodiesterase 3A; plus strand). Cytogenetic location: 12p12.2.
Variant type: single nucleotide variant.
Coding change: c.1964C>T on transcript NM_000921.5 (MANE Select); coding-DNA position 1964, C replaced by T.
Protein change: p.Ala655Val; replaces alanine 655 with valine.
Molecular consequence: missense variant.
Genome position (GRCh38, 1-based): chr12:20,635,019, C>T. VCF-style: chr12-20635019-C-T. GRCh37 (hg19) VCF-style: chr12-20787953-C-T.
Other names: c.998C>T, p.Ala333Val (NM_001244683.2, NM_001378409.1); c.1658C>T, p.Ala553Val (NM_001378407.1); c.1001C>T, p.Ala334Val (NM_001378408.1); short protein forms A333V, A655V, A334V, A553V.
Identifiers: ClinVar variation 3020614 (VCV003020614.4), dbSNP rs1418650299, ClinGen allele CA384078894.

ClinVar aggregate classification (germline): Conflicting classifications of pathogenicity. Review status: criteria provided, conflicting classifications (1 of 4 stars). 2 submissions from 2 submitters: Uncertain significance (1); Likely benign (1). Last evaluated 2024-03-27.

Allele frequency attached by ClinVar (database versions not stated): gnomAD 0.00001; gnomAD exomes 0.00002.
gnomAD v4.1: 31 of 1,613,618 alleles (0.0019%); highest among the groups gnomAD compares: Non-Finnish European, 0.0025%; no homozygotes.

Submissions (2):

Labcorp Genetics (formerly Invitae), Labcorp
Classification: Uncertain significance. Last evaluated: 2024-03-27. Review status: criteria provided, single submitter. Criteria: Invitae Variant Classification Sherloc (09022015). Collection method: clinical testing. Allele origin: germline.
Comment: This sequence change replaces alanine, which is neutral and non-polar, with valine, which is neutral and non-polar, at codon 655 of the PDE3A protein (p.Ala655Val). This variant is present in population databases (no rsID available, gnomAD 0.002%). This variant has not been reported in the literature in individuals affected with PDE3A-related conditions. This missense change has been observed in at least one individual who was not affected with PDE3A-related conditions (Invitae). An algorithm developed to predict the effect of missense changes on protein structure and function (PolyPhen-2) suggests that this variant is likely to be tolerated. In summary, the available evidence is currently insufficient to determine the role of this variant in disease. Therefore, it has been classified as a Variant of Uncertain Significance.

Blueprint Genetics
Classification: Likely benign. Last evaluated: 2024-02-02. Review status: criteria provided, single submitter. Criteria: ACMG Guidelines, 2015. Collection method: clinical testing. Allele origin: germline.